The following is an entry in ClinVar:

NM_001077418.3(TMEM231):c.570T>A (p.Asp190Glu)

Gene: TMEM231 (transmembrane protein 231; minus strand). Cytogenetic location: 16q23.1.
Variant type: single nucleotide variant.
Coding change: c.570T>A on transcript NM_001077418.3 (MANE Select); coding-DNA position 570, T replaced by A.
Protein change: p.Asp190Glu; replaces aspartic acid 190 with glutamic acid.
Molecular consequence: missense variant. On other transcripts: non-coding transcript variant (1).
Genome position (GRCh38, 1-based): chr16:75,545,364, A>T on the plus strand (T>A on the coding strand, the complement: TMEM231 is on the minus strand). VCF-style: chr16-75545364-A-T. GRCh37 (hg19) VCF-style: chr16-75579262-A-T.
Other names: c.729T>A, p.Asp243Glu (NM_001077416.2); short protein forms D190E, D243E.
Identifiers: ClinVar variation 1358261 (VCV001358261.9), dbSNP rs2151702535, ClinGen allele CA396806604.

ClinVar aggregate classification (germline): Uncertain significance. Review status: criteria provided, multiple submitters, no conflicts (2 of 4 stars). 2 submissions from 2 submitters: Uncertain significance (2). Last evaluated 2022-11-03.

Conditions:
Meckel syndrome, type 11 (MKS11). Identifiers: Orphanet 564, MedGen C3809352, MONDO:0014164, OMIM 615397.
Joubert syndrome 20 (JBTS20). Identifiers: Orphanet 475, MedGen C3554235, MONDO:0013994, OMIM 614970.

Submissions (2):

Labcorp Genetics (formerly Invitae), Labcorp
Classification: Uncertain significance for Joubert syndrome 20; Meckel syndrome, type 11. Last evaluated: 2022-11-03. Review status: criteria provided, single submitter. Criteria: Invitae Variant Classification Sherloc (09022015). Collection method: clinical testing. Allele origin: germline.
Comment: This variant is not present in population databases (gnomAD no frequency). In summary, the available evidence is currently insufficient to determine the role of this variant in disease. Therefore, it has been classified as a Variant of Uncertain Significance. Algorithms developed to predict the effect of missense changes on protein structure and function are either unavailable or do not agree on the potential impact of this missense change (SIFT: "Tolerated"; PolyPhen-2: "Not Available"; Align-GVGD: "Class C0"). ClinVar contains an entry for this variant (Variation ID: 1358261). This variant has not been reported in the literature in individuals affected with TMEM231-related conditions. This sequence change replaces aspartic acid, which is acidic and polar, with glutamic acid, which is acidic and polar, at codon 243 of the TMEM231 protein (p.Asp243Glu).

Blueprint Genetics
Classification: Uncertain significance. Last evaluated: 2022-09-02. Review status: criteria provided, single submitter. Criteria: ACMG Guidelines, 2015. Collection method: clinical testing. Allele origin: germline.